The following is an entry in ClinVar:

ClinVar aggregate classification (germline): Uncertain significance (1 of 4 stars; one submission).

Conditions:
Poirier-Bienvenu neurodevelopmental syndrome (POBINDS). Identifiers: Orphanet 689397, MedGen C5231482, MONDO:0032889, OMIM 618732.

Submission:

Juno Genomics, Hangzhou Juno Genomics, Inc
Classification: Uncertain significance for Poirier-Bienvenu neurodevelopmental syndrome. Review status: criteria provided, single submitter. Criteria: ACMG Guidelines, 2015. Collection method: clinical testing. Allele origin: germline.
Comment: Absent from controls (or at extremely low frequency if recessive) in Genome Aggregation Database.;Multiple lines of computational evidence support a deleterious effect on the gene or gene product.

NM_001320.7(CSNK2B):c.292-14T>A

Gene: CSNK2B (casein kinase 2 beta; plus strand). Cytogenetic location: 6p21.33.
Variant type: single nucleotide variant.
Coding change: c.292-14T>A on transcript NM_001320.7 (MANE Select); 14 bases into the intron before coding-DNA position 292, T replaced by A.
Molecular consequence: intron variant.
Genome position (GRCh38, 1-based): chr6:31,669,083, T>A. VCF-style: chr6-31669083-T-A. GRCh37 (hg19) VCF-style: chr6-31636860-T-A.
Other names: c.292-14T>A (NM_001282385.2).
Identifiers: ClinVar variation 5019778 (VCV005019778.2).